The following is an entry in ClinVar:

NM_002480.3(PPP1R12A):c.2348C>T (p.Ser783Leu)

Gene: PPP1R12A (protein phosphatase 1 regulatory subunit 12A; minus strand). Cytogenetic location: 12q21.2.
Variant type: single nucleotide variant.
Coding change: c.2348C>T on transcript NM_002480.3 (MANE Select); coding-DNA position 2348, C replaced by T.
Protein change: p.Ser783Leu; replaces serine 783 with leucine.
Molecular consequence: missense variant.
Genome position (GRCh38, 1-based): chr12:79,796,895, G>A on the plus strand (C>T on the coding strand, the complement: PPP1R12A is on the minus strand). VCF-style: chr12-79796895-G-A. GRCh37 (hg19) VCF-style: chr12-80190675-G-A.
Other names: c.2348C>T, p.Ser783Leu (NM_001143885.2, NM_001244990.2); c.2087C>T, p.Ser696Leu (NM_001143886.2); c.2180C>T, p.Ser727Leu (NM_001244992.1); c.2348C>T (NM_002480.2); short protein forms S696L, S783L, S727L.
Identifiers: ClinVar variation 2171859 (VCV002171859.5), dbSNP rs371366240, ClinGen allele CA6699451.
Genomic context (GRCh38, chr12:79,796,895, plus strand): 5'-AGACTATTTGGCCTGTTTAGTTGACTTGAAGCATACAGTGAACTGCTCATAGTAGAAAGT[G>A]AAGAGGATGGAGTGGTTGAACTTGAAGTTGATACTGGCCTATAACGCTGGTAAGTCTGTG-3'
Protein context (NP_002471.1, residues 773-793): STSSSTTPSS[Ser783Leu]LSTMSSSLYA

ClinVar aggregate classification (germline): Uncertain significance. Review status: criteria provided, multiple submitters, no conflicts (2 of 4 stars). 2 submissions from 2 submitters: Uncertain significance (2). Last evaluated 2024-10-24.

Conditions:
Inborn genetic diseases. Identifiers: MedGen C0950123, MeSH D030342.

Allele frequency attached by ClinVar (database versions not stated): gnomAD exomes 0.00002; gnomAD 0.00003; TOPMed 0.00006; ExAC 0.00007; ESP Exome Variant Server 0.00008.
gnomAD v4.1: 42 of 1,612,548 alleles (0.0026%); highest among the groups gnomAD compares: Middle Eastern, 0.2%; no homozygotes.

Submissions (2):

Labcorp Genetics (formerly Invitae), Labcorp
Classification: Uncertain significance. Last evaluated: 2024-10-24. Review status: criteria provided, single submitter. Criteria: Invitae Variant Classification Sherloc (09022015). Collection method: clinical testing. Allele origin: germline.
Comment: This sequence change replaces serine, which is neutral and polar, with leucine, which is neutral and non-polar, at codon 783 of the PPP1R12A protein (p.Ser783Leu). This variant is present in population databases (rs371366240, gnomAD 0.009%). This variant has not been reported in the literature in individuals affected with PPP1R12A-related conditions. ClinVar contains an entry for this variant (Variation ID: 2171859). An algorithm developed to predict the effect of missense changes on protein structure and function outputs the following: PolyPhen-2: "Possibly Damaging". The leucine amino acid residue is found in multiple mammalian species, which suggests that this missense change does not adversely affect protein function. In summary, the available evidence is currently insufficient to determine the role of this variant in disease. Therefore, it has been classified as a Variant of Uncertain Significance.

Ambry Genetics
Classification: Uncertain significance for Inborn genetic diseases. Last evaluated: 2024-09-24. Review status: criteria provided, single submitter. Criteria: Ambry Variant Classification Scheme 2023. Collection method: clinical testing. Allele origin: germline.